The following is an entry in ClinVar:

ClinVar aggregate classification (germline): Likely benign (1 of 4 stars; one submission).

Allele frequency attached by ClinVar (database versions not stated): TOPMed 0.00437; 1000 Genomes Project 0.00439; gnomAD 0.00463 and 0.00488; 1000 Genomes Project 30x 0.00484.
gnomAD v4.1: 972 of 981,064 alleles (0.099%); highest among the groups gnomAD compares: African/African-American, 1.7%; 7 homozygotes.

Submission:

GeneDx
Classification: Likely benign. Last evaluated: 2018-06-19. Review status: criteria provided, single submitter. Criteria: GeneDx Variant Classification (06012015). Collection method: clinical testing. Allele origin: germline. Affected: yes.
Comment: This variant is considered likely benign or benign based on one or more of the following criteria: it is a conservative change, it occurs at a poorly conserved position in the protein, it is predicted to be benign by multiple in silico algorithms, and/or has population frequency not consistent with disease.

NM_022114.4(PRDM16):c.884+105G>A

Gene: PRDM16 (PR/SET domain 16; plus strand). Cytogenetic location: 1p36.32.
Variant type: single nucleotide variant.
Coding change: c.884+105G>A on transcript NM_022114.4 (MANE Select); 105 bases into the intron after coding-DNA position 884, G replaced by A.
Molecular consequence: intron variant.
Genome position (GRCh38, 1-based): chr1:3,403,103, G>A. VCF-style: chr1-3403103-G-A. GRCh37 (hg19) VCF-style: chr1-3319667-G-A.
Other names: c.884+105G>A (NM_199454.3).
Identifiers: ClinVar variation 679828 (VCV000679828.1), dbSNP rs184651439, ClinGen allele CA17016592.
Genomic context (GRCh38, chr1:3,403,103, plus strand): 5'-CTCTGAGTCTTCCTCCCCTTCCCGTGCCCTCCTCTGAGTCTTCCTCCCCTCCCTTCCCCC[G>A]CCTCGCCCCCCAACAGGTGTAGACAAAGGGCCCCCTGGTGGGACACACCCTGGGGATATG-3'